The following is an entry in ClinVar:

NM_000257.4(MYH7):c.4831_4832delinsTT (p.Ala1611Phe)

Genes: MHRT (myosin heavy chain associated RNA transcript; plus strand), MYH7 (myosin heavy chain 7; minus strand), LOC126861897 (BRD4-independent group 4 enhancer GRCh37_chr14:23884455-23885654; plus strand). Cytogenetic location: 14q11.2.
Variant type: Indel.
Coding change: c.4831_4832delinsTT on transcript NM_000257.4 (MANE Select); coding-DNA positions 4831 to 4832, GC replaced by TT.
Protein change: p.Ala1611Phe; replaces alanine 1611 with phenylalanine.
Molecular consequence: missense variant. On other transcripts: non-coding transcript variant (1).
Genome position (GRCh38, 1-based): chr14:23,416,125-23,416,126, GC replaced by AA on the plus strand (GC replaced by TT on the coding strand, the reverse complement: MYH7 is on the minus strand). VCF-style: chr14-23416125-GC-AA. GRCh37 (hg19) VCF-style: chr14-23885334-GC-AA.
Other names: c.4831_4832delinsTT, p.Ala1611Phe (NM_001407004.1); short protein forms A1611F.
Identifiers: ClinVar variation 4614650 (VCV004614650.1).

ClinVar aggregate classification (germline): Uncertain significance (1 of 4 stars; one submission).

Conditions:
Cardiovascular phenotype. Identifiers: MedGen CN230736.

Submission:

Ambry Genetics
Classification: Uncertain significance for Cardiovascular phenotype. Last evaluated: 2025-12-09. Review status: criteria provided, single submitter. Criteria: Ambry Variant Classification Scheme 2023. Collection method: clinical testing. Allele origin: germline.
Comment: The c.4831_4832delinsTT variant (also known as p.A1611F), located in coding exon 32 of the MYH7 gene, results from an in-frame deletion of GC and insertion of TT at nucleotide positions 4831 to 4832. This results in the substitution of the alanine residue for a phenylalanine residue at codon 1611, an amino acid with dissimilar properties. This amino acid position is highly conserved in available vertebrate species. In addition, the in silico prediction for this variant is inconclusive (Choi Y et al. PLoS ONE. 2012; 7(10):e46688). Based on the available evidence, the clinical significance of this variant remains unclear.